The following is an entry in ClinVar:

ClinVar aggregate classification (germline): Likely benign (0 of 4 stars; one submission).

Conditions:
SLC35B1-related disorder. Also called: SLC35B1-related condition.

Allele frequency attached by ClinVar (database versions not stated): 1000 Genomes Project 0.00140; 1000 Genomes Project 30x 0.00172; TOPMed 0.00217; gnomAD 0.00240; ESP Exome Variant Server 0.00284; ExAC 0.00324.
gnomAD v4.1: 5,982 of 1,614,168 alleles (0.37%); highest among the groups gnomAD compares: Non-Finnish European, 0.41%; 23 homozygotes.

Submission:

PreventionGenetics, part of Exact Sciences
Classification: Likely benign for SLC35B1-related condition. Last evaluated: 2020-05-21. Review status: no assertion criteria provided. Collection method: clinical testing. Allele origin: germline.
Comment: This variant is classified as likely benign based on ACMG/AMP sequence variant interpretation guidelines (Richards et al. 2015 PMID: 25741868, with internal and published modifications).

NM_005827.4(SLC35B1):c.396G>A (p.Leu132=)

Gene: SLC35B1 (solute carrier family 35 member B1; minus strand). Cytogenetic location: 17q21.33.
Variant type: single nucleotide variant.
Coding change: c.396G>A on transcript NM_005827.4 (MANE Select); coding-DNA position 396, G replaced by A.
Protein change: p.Leu132=; no amino-acid change (leucine 132 retained).
Molecular consequence: synonymous variant.
Genome position (GRCh38, 1-based): chr17:49,705,256, C>T on the plus strand (G>A on the coding strand, the complement: SLC35B1 is on the minus strand). VCF-style: chr17-49705256-C-T. GRCh37 (hg19) VCF-style: chr17-47782618-C-T.
Other names: c.195G>A, p.Leu65= (NM_001278784.2).
Identifiers: ClinVar variation 3055762 (VCV003055762.2), dbSNP rs147270335, ClinGen allele CA8639385.